The following is an entry in ClinVar:

NM_000059.4(BRCA2):c.4409_4413del (p.Ile1470fs)

Gene: BRCA2 (BRCA2 DNA repair associated; plus strand). Cytogenetic location: 13q13.1.
Variant type: Deletion.
Coding change: c.4409_4413del on transcript NM_000059.4 (MANE Select); coding-DNA positions 4409 to 4413, 5 bases deleted (TAAGA; older notation c.4409_4413delTAAGA).
Protein change: p.Ile1470fs; shifts the reading frame from isoleucine 1470.
Molecular consequence: frameshift variant.
Genome position (GRCh38, 1-based): chr13:32,338,764-32,338,768, TAAGA deleted; deleting any 5 consecutive bases within chr13:32,338,763-32,338,768 gives the same sequence; the c. name uses the placement nearest the transcript's 3' end. VCF-style (leftmost placement, unchanged base first): chr13-32338762-CATAAG-C. GRCh37 (hg19) VCF-style: chr13-32912899-CATAAG-C.
Other names: c.4409_4413delTAAGA (NM_000059.3).
Identifiers: ClinVar variation 51643 (VCV000051643.29), dbSNP rs397507718, ClinGen allele CA020111.

ClinVar aggregate classification (germline): Pathogenic. Review status: reviewed by expert panel (3 of 4 stars). 10 submissions from 10 submitters: Pathogenic (1). 9 of the submissions do not count toward it. Last evaluated 2016-09-08.

Conditions:
Hereditary cancer-predisposing syndrome. Also called: Hereditary Cancer Syndrome; Hereditary neoplastic syndrome; Neoplastic Syndromes, Hereditary; Tumor predisposition. Identifiers: Orphanet 140162, MedGen C0027672, MeSH D009386, MONDO:0015356.
Hereditary breast ovarian cancer syndrome. Also called: Hereditary breast and ovarian cancer syndrome (HBOC); Hereditary breast and ovarian cancer syndrome; Hereditary breast and/or ovarian cancer syndrome; Breast and ovarian cancer; BRCA1- and BRCA2-Associated Hereditary Breast and Ovarian Cancer; Hereditary breast and ovarian cancer. Identifiers: Orphanet 145, MedGen C0677776, MeSH D061325, MONDO:0003582. Disease mechanism: loss of function.
Breast-ovarian cancer, familial, susceptibility to, 2 (BROVCA2). Also called: BRCA2 Hereditary Breast and Ovarian Cancer. Identifiers: Orphanet 145, MedGen C2675520, MONDO:0012933, OMIM 612555. Disease mechanism: loss of function.
Familial cancer of breast. Also called: Hereditary breast cancer; BREAST CANCER, FAMILIAL; hereditary breast carcinoma. Identifiers: Orphanet 227535, MedGen C0346153, MONDO:0016419, OMIM 114480. Disease mechanism: loss of function.

Submissions (10):

Evidence-based Network for the Interpretation of Germline Mutant Alleles (ENIGMA)
Classification: Pathogenic for Breast-ovarian cancer, familial, susceptibility to, 2. Last evaluated: 2016-09-08. Review status: reviewed by expert panel. Criteria: ENIGMA BRCA1/2 Classification Criteria (2015). Collection method: curation. Allele origin: germline.
Comment: Variant allele predicted to encode a truncated non-functional protein.

Ambry Genetics
Classification: Pathogenic for Hereditary cancer-predisposing syndrome. Last evaluated: 2025-12-18. Review status: criteria provided, single submitter. Criteria: Ambry Variant Classification Scheme 2023. Collection method: clinical testing. Allele origin: germline. Not counted in ClinVar's aggregate classification.
Comment: The c.4409_4413delTAAGA pathogenic mutation, located in coding exon 10 of the BRCA2 gene, results from a deletion of 5 nucleotides at nucleotide positions 4409 to 4413, causing a translational frameshift with a predicted alternate stop codon (p.I1470Kfs*10). This variant is considered to be rare based on population cohorts in the Genome Aggregation Database (gnomAD). This alteration is expected to result in loss of function by premature protein truncation or nonsense-mediated mRNA decay. As such, this alteration is interpreted as a disease-causing mutation.

Labcorp Genetics (formerly Invitae), Labcorp
Classification: Pathogenic for Hereditary breast ovarian cancer syndrome. Last evaluated: 2025-07-05. Review status: criteria provided, single submitter. Criteria: Invitae Variant Classification Sherloc (09022015). Collection method: clinical testing. Allele origin: germline. Not counted in ClinVar's aggregate classification.
Comment: This sequence change creates a premature translational stop signal (p.Ile1470Lysfs*10) in the BRCA2 gene. It is expected to result in an absent or disrupted protein product. Loss-of-function variants in BRCA2 are known to be pathogenic (PMID: 20104584). This variant is not present in population databases (gnomAD no frequency). This premature translational stop signal has been observed in individual(s) with a personal or family history of breast and/or ovarian cancer (PMID: 16683254, 18286383). ClinVar contains an entry for this variant (Variation ID: 51643). For these reasons, this variant has been classified as Pathogenic.

Institute of Medical Genetics and Applied Genomics, University Hospital Tübingen
Classification: Pathogenic for Hereditary breast ovarian cancer syndrome. Last evaluated: 2024-10-09. Review status: criteria provided, single submitter. Criteria: ACMG Guidelines, 2015. Collection method: clinical testing. Allele origin: germline. Inheritance: Autosomal dominant inheritance. Affected: yes. Not counted in ClinVar's aggregate classification.

Color Diagnostics, LLC DBA Color Health
Classification: Pathogenic for Hereditary cancer-predisposing syndrome. Last evaluated: 2024-08-26. Review status: criteria provided, single submitter. Criteria: ACMG Guidelines, 2015. Collection method: clinical testing. Allele origin: germline. Not counted in ClinVar's aggregate classification.
Comment: This variant deletes 5 nucleotides in exon 11 of the BRCA2 gene, creating a frameshift and premature translation stop signal. This variant is expected to result in an absent or non-functional protein product. This variant has been reported in an individual affected with breast cancer (PMID: 18286383) and in a suspected hereditary breast and ovarian cancer family (PMID: 16683254). This variant has not been identified in the general population by the Genome Aggregation Database (gnomAD). Loss of BRCA2 function is a known mechanism of disease. Based on the available evidence, this variant is classified as Pathogenic.

Baylor Genetics
Classification: Pathogenic for Familial cancer of breast. Last evaluated: 2022-06-07. Review status: criteria provided, single submitter. Criteria: ACMG Guidelines, 2015. Collection method: clinical testing. Allele origin: unknown. Not counted in ClinVar's aggregate classification.

Quest Diagnostics Nichols Institute San Juan Capistrano
Classification: Pathogenic. Last evaluated: 2020-09-04. Review status: criteria provided, single submitter. Criteria: Quest Diagnostics criteria. Collection method: clinical testing. Allele origin: unknown. Not counted in ClinVar's aggregate classification.
Comment: This frameshift variant causes the premature termination of BRCA2 protein synthesis. In addition, it has been reported in families affected with breast cancer in the published literature (PMID: 16683254 (2006), 18286383 (2008)). This variant has not been reported in large, multi-ethnic general populations. Therefore, the variant is classified as pathogenic.

Women's Health and Genetics/Laboratory Corporation of America, LabCorp
Classification: Pathogenic for Hereditary breast and ovarian cancer syndrome. Last evaluated: 2018-09-25. Review status: criteria provided, single submitter. Criteria: LabCorp Variant Classification Summary - May 2015. Collection method: clinical testing. Allele origin: germline. Not counted in ClinVar's aggregate classification.
Comment: Variant summary: BRCA2 c.4409_4413delTAAGA (p.Ile1470LysfsX10) results in a premature termination codon, predicted to cause a truncation of the encoded protein or absence of the protein due to nonsense mediated decay, which are commonly known mechanisms for disease. Truncations downstream of this position have been classified as pathogenic by our laboratory (eg. c.4415_4418delAGAA (p.Lys1472fsX6), c.4449delA (p.Asp1484fsX2), and c.4456_44559delGTTA (p.Val1486fsX5)). The variant was absent in 243686 control chromosomes (gnomAD). c.4409_4413delTAAGA has been reported in the literature in individuals affected with Hereditary Breast and Ovarian Cancer (Rodriguez_2008, van der Hout_2006). These data indicate that the variant may be associated with disease. To our knowledge, no experimental evidence demonstrating an impact on protein function has been reported. Five ClinVar submissions from clinical diagnostic laboratories (evaluation after 2014) cites the variant as pathogenic. Based on the evidence outlined above, the variant was classified as pathogenic.

Cancer Genetics and Genomics Laboratory, British Columbia Cancer Agency
Classification: Pathogenic for Hereditary breast ovarian cancer syndrome. Last evaluated: 2017-04-18. Review status: criteria provided, single submitter. Criteria: ACMG Guidelines, 2015. Collection method: clinical testing. Allele origin: germline. Study: The Canadian Open Genetics Repository (COGR). Not counted in ClinVar's aggregate classification.

Consortium of Investigators of Modifiers of BRCA1/2 (CIMBA), c/o University of Cambridge
Classification: Pathogenic for Breast-ovarian cancer, familial, susceptibility to, 2. Last evaluated: 2015-10-02. Review status: criteria provided, single submitter. Criteria: CIMBA Mutation Classification guidelines May 2016. Collection method: clinical testing. Allele origin: germline. Not counted in ClinVar's aggregate classification.

Literature cited by the submitters: PubMed 16683254 (cited by 5 submitters); PubMed 18286383 (cited by 5 submitters); PubMed 20104584 (cited by Labcorp Genetics (formerly Invitae), Labcorp); PubMed 26295337 (cited by Quest Diagnostics Nichols Institute San Juan Capistrano).